The following is an entry in ClinVar:

ClinVar aggregate classification (germline): Uncertain significance (1 of 4 stars; one submission).

Conditions:
Congenital contractural arachnodactyly (CCA). Also called: BEALS SYNDROME; Beals-Hecht syndrome; Arthrogryposis, distal, type 9. Identifiers: Orphanet 115, MedGen C0220668, MONDO:0007363, OMIM 121050.

Submission:

Labcorp Genetics (formerly Invitae), Labcorp
Classification: Uncertain significance for Congenital contractural arachnodactyly. Last evaluated: 2019-07-26. Review status: criteria provided, single submitter. Criteria: Invitae Variant Classification Sherloc (09022015). Collection method: clinical testing. Allele origin: germline.
Comment: In summary, the available evidence is currently insufficient to determine the role of this variant in disease. Therefore, it has been classified as a Variant of Uncertain Significance. Algorithms developed to predict the effect of sequence changes on RNA splicing suggest that this variant may create or strengthen a splice site, but this prediction has not been confirmed by published transcriptional studies. Algorithms developed to predict the effect of missense changes on protein structure and function (SIFT, PolyPhen-2, Align-GVGD) all suggest that this variant is likely to be disruptive, but these predictions have not been confirmed by published functional studies and their clinical significance is uncertain. This variant has not been reported in the literature in individuals with FBN2-related conditions. This variant is not present in population databases (ExAC no frequency). This sequence change replaces aspartic acid with glycine at codon 1852 of the FBN2 protein (p.Asp1852Gly). The aspartic acid residue is highly conserved and there is a moderate physicochemical difference between aspartic acid and glycine.

NM_001999.4(FBN2):c.5555A>G (p.Asp1852Gly)

Gene: FBN2 (fibrillin 2; minus strand). Cytogenetic location: 5q23.3.
Variant type: single nucleotide variant.
Coding change: c.5555A>G on transcript NM_001999.4 (MANE Select); coding-DNA position 5555, A replaced by G.
Protein change: p.Asp1852Gly; replaces aspartic acid 1852 with glycine.
Molecular consequence: missense variant.
Genome position (GRCh38, 1-based): chr5:128,305,630, T>C on the plus strand (A>G on the coding strand, the complement: FBN2 is on the minus strand). VCF-style: chr5-128305630-T-C. GRCh37 (hg19) VCF-style: chr5-127641322-T-C.
Other names: short protein forms D1852G.
Identifiers: ClinVar variation 951008 (VCV000951008.10), dbSNP rs1749848470, ClinGen allele CA360740667.